The following is an entry in ClinVar:

ClinVar aggregate classification (germline): Pathogenic (1 of 4 stars; one submission).

Conditions:
Oligodontia-cancer predisposition syndrome. Also called: TOOTH AGENESIS-COLORECTAL CANCER SYNDROME. Identifiers: Orphanet 300576, MedGen C1837750, MONDO:0012075, OMIM 608615. Disease mechanism: loss of function.

Submission:

Labcorp Genetics (formerly Invitae), Labcorp
Classification: Pathogenic for Oligodontia-cancer predisposition syndrome. Last evaluated: 2022-10-18. Review status: criteria provided, single submitter. Criteria: Invitae Variant Classification Sherloc (09022015). Collection method: clinical testing. Allele origin: germline.
Comment: For these reasons, this variant has been classified as Pathogenic. This variant has not been reported in the literature in individuals affected with AXIN2-related conditions. This variant is not present in population databases (gnomAD no frequency). This sequence change creates a premature translational stop signal (p.Leu481Argfs*144) in the AXIN2 gene. It is expected to result in an absent or disrupted protein product. Loss-of-function variants in AXIN2 are known to be pathogenic (PMID: 15042511, 21416598).

Literature cited by the submitters: PubMed 15042511; PubMed 21416598.

NM_004655.4(AXIN2):c.1442_1449del (p.Leu481fs)

Gene: AXIN2 (axin 2; minus strand). Cytogenetic location: 17q24.1.
Variant type: Deletion.
Coding change: c.1442_1449del on transcript NM_004655.4 (MANE Select); coding-DNA positions 1442 to 1449, 8 bases deleted (TCCCGCCC; older notation c.1442_1449delTCCCGCCC).
Protein change: p.Leu481fs; shifts the reading frame from leucine 481.
Molecular consequence: frameshift variant.
Genome position (GRCh38, 1-based): chr17:65,537,587-65,537,594, GGGCGGGA deleted on the plus strand (TCCCGCCC on the coding strand, the reverse complement: AXIN2 is on the minus strand); deleting any 8 consecutive bases within chr17:65,537,587-65,537,595 gives the same sequence; the c. name uses the placement nearest the transcript's 3' end. VCF-style (leftmost placement, unchanged base first): chr17-65537586-CGGGCGGGA-C. GRCh37 (hg19) VCF-style: chr17-63533704-CGGGCGGGA-C.
Other names: c.1442_1449del, p.Leu481fs (NM_001363813.1); short protein forms L481fs.
Identifiers: ClinVar variation 2035953 (VCV002035953.4), dbSNP rs2509414713, ClinGen allele CA2580094724.